The following is an entry in ClinVar:

NM_000059.4(BRCA2):c.1511C>A (p.Ser504Tyr)

Gene: BRCA2 (BRCA2 DNA repair associated; plus strand). Cytogenetic location: 13q13.1.
Variant type: single nucleotide variant.
Coding change: c.1511C>A on transcript NM_000059.4 (MANE Select); coding-DNA position 1511, C replaced by A.
Protein change: p.Ser504Tyr; replaces serine 504 with tyrosine.
Molecular consequence: missense variant.
Genome position (GRCh38, 1-based): chr13:32,332,989, C>A. VCF-style: chr13-32332989-C-A. GRCh37 (hg19) VCF-style: chr13-32907126-C-A.
Other names: c.1511C>A, p.Ser504Tyr (NM_001406719.1, NM_001406720.1, NM_001406721.1); short protein forms S504Y.
Identifiers: ClinVar variation 1774211 (VCV001774211.4), dbSNP rs886037807, ClinGen allele CA387764524.

ClinVar aggregate classification (germline): Conflicting classifications of pathogenicity. Review status: criteria provided, conflicting classifications (1 of 4 stars). 2 submissions from 2 submitters: Uncertain significance (1); Likely benign (1). Last evaluated 2023-03-23.

Conditions:
Hereditary cancer-predisposing syndrome. Also called: Hereditary Cancer Syndrome; Hereditary neoplastic syndrome; Neoplastic Syndromes, Hereditary; Tumor predisposition. Identifiers: Orphanet 140162, MedGen C0027672, MeSH D009386, MONDO:0015356.

Submissions (2):

University of Washington Department of Laboratory Medicine, University of Washington
Classification: Likely benign for Hereditary cancer-predisposing syndrome. Last evaluated: 2023-03-23. Review status: criteria provided, single submitter. Criteria: Dines et al. (Genet Med. 2020). Collection method: curation. Allele origin: germline.
Comment: Missense variant in a coldspot region where missense variants are very unlikely to be pathogenic (PMID:31911673).

BRCA2 exon 10 coldspot. Reclassification based on statistical prior probability.

Ambry Genetics
Classification: Uncertain significance for Hereditary cancer-predisposing syndrome. Last evaluated: 2021-12-11. Review status: criteria provided, single submitter. Criteria: Ambry Variant Classification Scheme 2023. Collection method: clinical testing. Allele origin: germline.
Comment: The p.S504Y variant (also known as c.1511C>A), located in coding exon 9 of the BRCA2 gene, results from a C to A substitution at nucleotide position 1511. The serine at codon 504 is replaced by tyrosine, an amino acid with dissimilar properties. This amino acid position is conserved. In addition, this alteration is predicted to be tolerated by in silico analysis. Since supporting evidence is limited at this time, the clinical significance of this alteration remains unclear.